The following is an entry in ClinVar:

NM_021020.5(LZTS1):c.1394G>A (p.Arg465Gln)

Gene: LZTS1 (leucine zipper tumor suppressor 1; minus strand). Cytogenetic location: 8p21.3.
Variant type: single nucleotide variant.
Coding change: c.1394G>A on transcript NM_021020.5 (MANE Select); coding-DNA position 1394, G replaced by A.
Protein change: p.Arg465Gln; replaces arginine 465 with glutamine.
Molecular consequence: missense variant.
Genome position (GRCh38, 1-based): chr8:20,250,119, C>T on the plus strand (G>A on the coding strand, the complement: LZTS1 is on the minus strand). VCF-style: chr8-20250119-C-T. GRCh37 (hg19) VCF-style: chr8-20107630-C-T.
Other names: c.1394G>A, p.Arg465Gln (NM_001362884.2); short protein forms R465Q.
Identifiers: ClinVar variation 3677799 (VCV003677799.2).

ClinVar aggregate classification (germline): Uncertain significance (1 of 4 stars; one submission).

gnomAD v4.1: 9 of 1,607,470 alleles (0.00056%); highest among the groups gnomAD compares: Non-Finnish European, 0.00076%; no homozygotes.

Submission:

Labcorp Genetics (formerly Invitae), Labcorp
Classification: Uncertain significance. Last evaluated: 2024-11-18. Review status: criteria provided, single submitter. Criteria: Invitae Variant Classification Sherloc (09022015). Collection method: clinical testing. Allele origin: germline.
Comment: This sequence change replaces arginine, which is basic and polar, with glutamine, which is neutral and polar, at codon 465 of the LZTS1 protein (p.Arg465Gln). The frequency data for this variant in the population databases is considered unreliable, as metrics indicate poor data quality at this position in the gnomAD database. This variant has not been reported in the literature in individuals affected with LZTS1-related conditions. Invitae Evidence Modeling of protein sequence and biophysical properties (such as structural, functional, and spatial information, amino acid conservation, physicochemical variation, residue mobility, and thermodynamic stability) has been performed for this missense variant. However, the output from this modeling did not meet the statistical confidence thresholds required to predict the impact of this variant on LZTS1 protein function. In summary, the available evidence is currently insufficient to determine the role of this variant in disease. Therefore, it has been classified as a Variant of Uncertain Significance.